The following is an entry in ClinVar:

ClinVar aggregate classification (germline): Uncertain significance. Review status: criteria provided, multiple submitters, no conflicts (2 of 4 stars). 2 submissions from 2 submitters: Uncertain significance (2). Last evaluated 2021-09-01.

Allele frequency attached by ClinVar (database versions not stated): ExAC 0.00001; gnomAD exomes 0.00001 and 0.00002; gnomAD 0.00003 and 0.00004; TOPMed 0.00003.
gnomAD v4.1: 29 of 1,594,216 alleles (0.0018%); highest among the groups gnomAD compares: Non-Finnish European, 0.0024%; no homozygotes.

Submissions (2):

Labcorp Genetics (formerly Invitae), Labcorp
Classification: Uncertain significance. Last evaluated: 2021-09-01. Review status: criteria provided, single submitter. Criteria: Invitae Variant Classification Sherloc (09022015). Collection method: clinical testing. Allele origin: germline.
Comment: This sequence change replaces alanine with glycine at codon 908 of the ADGRV1 protein (p.Ala908Gly). The alanine residue is weakly conserved and there is a small physicochemical difference between alanine and glycine. This variant is present in population databases (rs770200380, ExAC 0.002%). This variant has not been reported in the literature in individuals affected with ADGRV1-related conditions. ClinVar contains an entry for this variant (Variation ID: 498286). Algorithms developed to predict the effect of missense changes on protein structure and function (SIFT, PolyPhen-2, Align-GVGD) all suggest that this variant is likely to be tolerated. Algorithms developed to predict the effect of sequence changes on RNA splicing suggest that this variant may create or strengthen a splice site. In summary, the available evidence is currently insufficient to determine the role of this variant in disease. Therefore, it has been classified as a Variant of Uncertain Significance.

Eurofins Ntd Llc (ga)
Classification: Uncertain significance. Last evaluated: 2016-12-05. Review status: criteria provided, single submitter. Criteria: EGL Classification Definitions 2015. Collection method: clinical testing. Allele origin: germline. Observed: 1 variant allele, 1 heterozygote.

NM_032119.4(ADGRV1):c.2723C>G (p.Ala908Gly)

Gene: ADGRV1 (adhesion G protein-coupled receptor V1; plus strand). Cytogenetic location: 5q14.3.
Variant type: single nucleotide variant.
Coding change: c.2723C>G on transcript NM_032119.4 (MANE Select); coding-DNA position 2723, C replaced by G.
Protein change: p.Ala908Gly; replaces alanine 908 with glycine.
Molecular consequence: missense variant. On other transcripts: non-coding transcript variant (1).
Genome position (GRCh38, 1-based): chr5:90,643,972, C>G. VCF-style: chr5-90643972-C-G. GRCh37 (hg19) VCF-style: chr5-89939789-C-G.
Other names: short protein forms A908G.
Identifiers: ClinVar variation 498286 (VCV000498286.11), dbSNP rs770200380, ClinGen allele CA3338991.